The following is an entry in ClinVar:

ClinVar aggregate classification (germline): Uncertain significance (1 of 4 stars; one submission).

Conditions:
Long QT syndrome (LQTS). Identifiers: MedGen C0023976, MeSH D008133, MONDO:0002442. Disease mechanism: loss of function. Inheritance: Various modes of inheritance.

Submission:

All of Us Research Program, National Institutes of Health
Classification: Uncertain significance for Long QT syndrome. Last evaluated: 2023-12-13. Review status: criteria provided, single submitter. Criteria: ACMG Guidelines, 2015. Collection method: clinical testing. Allele origin: germline. Inheritance: Autosomal dominant inheritance. Observed: 3 variant alleles, 3 heterozygotes.
Comment: This missense variant replaces lysine with threonine at codon 101 of the KCNH2 protein. Computational prediction suggests that this variant may have deleterious impact on protein structure and function (internally defined REVEL score threshold >= 0.7, PMID: 27666373). To our knowledge, functional studies have not been reported for this variant. This variant has not been reported in individuals affected with KCNH2-related disorders in the literature. This variant has not been identified in the general population by the Genome Aggregation Database (gnomAD). The available evidence is insufficient to determine the role of this variant in disease conclusively. Therefore, this variant is classified as a Variant of Uncertain Significance.

This study involves interpretation of variants in research participants for the purpose of population health screening. Participant phenotype was not available at the time of variant classification. Additional details can be found in publication PMID: 35346344, PMCID: PMC8962531

NM_000238.4(KCNH2):c.302A>C (p.Lys101Thr)

Gene: KCNH2 (potassium voltage-gated channel subfamily H member 2; minus strand). Cytogenetic location: 7q36.1.
Variant type: single nucleotide variant.
Coding change: c.302A>C on transcript NM_000238.4 (MANE Select); coding-DNA position 302, A replaced by C.
Protein change: p.Lys101Thr; replaces lysine 101 with threonine.
Molecular consequence: missense variant. On other transcripts: non-coding transcript variant (1).
Genome position (GRCh38, 1-based): chr7:150,974,716, T>G on the plus strand (A>C on the coding strand, the complement: KCNH2 is on the minus strand). VCF-style: chr7-150974716-T-G. GRCh37 (hg19) VCF-style: chr7-150671804-T-G.
Other names: c.125A>C, p.Lys42Thr (NM_001406755.1); c.302A>C, p.Lys101Thr (NM_172056.3); short protein forms K101T, K42T.
Identifiers: ClinVar variation 3074168 (VCV003074168.1), dbSNP rs2117062159, ClinGen allele CA369865285.
Genomic context (GRCh38, chr7:150,974,716, plus strand): 5'-TCCCGCCCCTCTTGACCCCGCCCCTGGTCGTGGCCCCGCCCCGGCCCGCTCCTACCATCT[T>G]TCCGGTAGAAGGCGATTTCCACTTTGCGCTCCTCGGCGCCCAGCAGTGCCTGCGCGATCT-3'
Protein context (NP_000229.1, residues 91-111): ERKVEIAFYR[Lys101Thr]DGSCFLCLVD